The following is an entry in ClinVar:

ClinVar aggregate classification (germline): Uncertain significance. Review status: criteria provided, multiple submitters, no conflicts (2 of 4 stars). 4 submissions from 4 submitters: Uncertain significance (4). Last evaluated 2025-01-28.

Conditions:
Cardiovascular phenotype. Identifiers: MedGen CN230736.
Arrhythmogenic right ventricular cardiomyopathy (ARVD). Also called: Arrhythmogenic cardiomyopathy; Cardiomyopathy, ARVC; Arrhythmogenic right ventricular dysplasia; Arrhythmogenic Right Ventricular Cardiomyopathy (ARVC). Identifiers: Orphanet 247, MedGen C0349788, MeSH D019571, MONDO:0016587. Disease mechanism: loss of function. Inheritance: Various modes of inheritance.
Cardiomyopathy (CMYO). Also called: Cardiomyopathies. Identifiers: Orphanet 167848, MedGen C0878544, MONDO:0004994, HP:0001638. Inheritance: Various modes of inheritance.
Arrhythmogenic right ventricular dysplasia 10. Also called: Arrhythmogenic Right Ventricular Dysplasia/Cardiomyopathy10; ARRHYTHMOGENIC RIGHT VENTRICULAR DYSPLASIA, FAMILIAL, 10; Arrhythmogenic right ventricular dysplasia/cardiomyopathy, type 10. Identifiers: MedGen C1857777, MONDO:0012434, OMIM 610193.

Allele frequency attached by ClinVar (database versions not stated): gnomAD below 0.00001 and 0.00001; TOPMed below 0.00001; gnomAD exomes 0.00001; ExAC 0.00002.
gnomAD v4.1: 8 of 1,614,024 alleles (0.0005%); highest among the groups gnomAD compares: South Asian, 0.0088%; 1 homozygote.

Submissions (4):

Labcorp Genetics (formerly Invitae), Labcorp
Classification: Uncertain significance for Arrhythmogenic right ventricular dysplasia 10. Last evaluated: 2025-01-28. Review status: criteria provided, single submitter. Criteria: Invitae Variant Classification Sherloc (09022015). Collection method: clinical testing. Allele origin: germline.
Comment: This sequence change replaces proline, which is neutral and non-polar, with serine, which is neutral and polar, at codon 502 of the DSG2 protein (p.Pro502Ser). This variant is present in population databases (rs774495857, gnomAD 0.006%). This variant has not been reported in the literature in individuals affected with DSG2-related conditions. ClinVar contains an entry for this variant (Variation ID: 921135). Invitae Evidence Modeling of protein sequence and biophysical properties (such as structural, functional, and spatial information, amino acid conservation, physicochemical variation, residue mobility, and thermodynamic stability) indicates that this missense variant is not expected to disrupt DSG2 protein function with a negative predictive value of 95%. In summary, the available evidence is currently insufficient to determine the role of this variant in disease. Therefore, it has been classified as a Variant of Uncertain Significance.

Color Diagnostics, LLC DBA Color Health
Classification: Uncertain significance for Cardiomyopathy. Last evaluated: 2024-03-06. Review status: criteria provided, single submitter. Criteria: ACMG Guidelines, 2015. Collection method: clinical testing. Allele origin: germline.
Comment: This missense variant replaces proline with serine at codon 502 of the DSG2 protein. Computational prediction suggests that this variant may not impact protein structure and function (internally defined REVEL score threshold <= 0.5, PMID: 27666373). To our knowledge, functional studies have not been reported for this variant. This variant has not been reported in individuals affected with DSG2-related disorders in the literature. This variant has been identified in 2/249428 chromosomes in the general population by the Genome Aggregation Database (gnomAD). The available evidence is insufficient to determine the role of this variant in disease conclusively. Therefore, this variant is classified as a Variant of Uncertain Significance.

All of Us Research Program, National Institutes of Health
Classification: Uncertain significance for Arrhythmogenic right ventricular cardiomyopathy. Last evaluated: 2023-05-03. Review status: criteria provided, single submitter. Criteria: ACMG Guidelines, 2015. Collection method: clinical testing. Allele origin: germline. Inheritance: Autosomal dominant inheritance. Observed: 2 variant alleles, 2 heterozygotes.
Comment: This missense variant replaces proline with serine at codon 502 of the DSG2 protein. Computational prediction tool suggests that this variant may not impact protein structure and function (internally defined REVEL score threshold <=0.5, PMID: 27666373). Splice site prediction tools suggest that this variant may not impact RNA splicing. To our knowledge, functional studies have not been performed for this variant. This variant has not been reported in individuals affected with cardiovascular disorders in the literature. This variant has been identified in 2/249428 chromosomes in the general population by the Genome Aggregation Database (gnomAD). The available evidence is insufficient to determine the role of this variant in disease conclusively. Therefore, this variant is classified as a Variant of Uncertain Significance.

This study involves interpretation of variants in research participants for the purpose of population health screening. Participant phenotype was not available at the time of variant classification. Additional details can be found in publication PMID: 35346344, PMCID: PMC8962531

Ambry Genetics
Classification: Uncertain significance for Cardiovascular phenotype. Last evaluated: 2020-10-27. Review status: criteria provided, single submitter. Criteria: Ambry Variant Classification Scheme 2023. Collection method: clinical testing. Allele origin: germline.
Comment: The p.P502S variant (also known as c.1504C>T), located in coding exon 11 of the DSG2 gene, results from a C to T substitution at nucleotide position 1504. The proline at codon 502 is replaced by serine, an amino acid with similar properties. This amino acid position is well conserved in available vertebrate species; however, serine is the reference amino acid in other vertebrate species. In addition, this alteration is predicted to be tolerated by in silico analysis. Since supporting evidence is limited at this time, the clinical significance of this alteration remains unclear.

NM_001943.5(DSG2):c.1504C>T (p.Pro502Ser)

Gene: DSG2 (desmoglein 2; plus strand). Cytogenetic location: 18q12.1.
Variant type: single nucleotide variant.
Coding change: c.1504C>T on transcript NM_001943.5 (MANE Select); coding-DNA position 1504, C replaced by T.
Protein change: p.Pro502Ser; replaces proline 502 with serine.
Molecular consequence: missense variant.
Genome position (GRCh38, 1-based): chr18:31,536,282, C>T. VCF-style: chr18-31536282-C-T. GRCh37 (hg19) VCF-style: chr18-29116245-C-T.
Other names: short protein forms P502S.
Identifiers: ClinVar variation 921135 (VCV000921135.9), dbSNP rs774495857, ClinGen allele CA042687.